The following is an entry in ClinVar:

ClinVar aggregate classification (germline): Benign/Likely benign. Review status: criteria provided, multiple submitters, no conflicts (2 of 4 stars). 2 submissions from 2 submitters: Benign (1); Likely benign (1). Last evaluated 2026-04-05.

Conditions:
Hereditary cancer-predisposing syndrome. Also called: Neoplastic Syndromes, Hereditary; Tumor predisposition; Hereditary Cancer Syndrome; Hereditary neoplastic syndrome. Identifiers: Orphanet 140162, MedGen C0027672, MeSH D009386, MONDO:0015356.
Tuberous sclerosis 2 (TSC2). Identifiers: Orphanet 805, MedGen C1860707, MONDO:0013199, OMIM 613254.

gnomAD v4.1: 1 of 1,613,776 alleles (0.000062%); highest among the groups gnomAD compares: South Asian, 0.0011%; no homozygotes.

Submissions (2):

Ambry Genetics
Classification: Likely benign for Hereditary cancer-predisposing syndrome. Last evaluated: 2026-04-05. Review status: criteria provided, single submitter. Criteria: Ambry Variant Classification Scheme 2023. Collection method: clinical testing. Allele origin: germline.

Myriad Genetics, Inc.
Classification: Benign for Tuberous sclerosis 2. Last evaluated: 2025-05-14. Review status: criteria provided, single submitter. Criteria: Myriad Autosomal Dominant, Autosomal Recessive and X-Linked Classification Criteria (2023). Collection method: clinical testing. Allele origin: unknown.
Comment: This variant is considered benign. This variant is a silent/synonymous amino acid change and it is not expected to impact splicing.

NM_000548.5(TSC2):c.1539G>A (p.Val513=)

Gene: TSC2 (TSC complex subunit 2; plus strand). Cytogenetic location: 16p13.3.
Variant type: single nucleotide variant.
Coding change: c.1539G>A on transcript NM_000548.5 (MANE Select); coding-DNA position 1539, G replaced by A.
Protein change: p.Val513=; no amino-acid change (valine 513 retained).
Molecular consequence: synonymous variant. On other transcripts: 5 prime UTR variant (1), non-coding transcript variant (5).
Genome position (GRCh38, 1-based): chr16:2,064,367, G>A. VCF-style: chr16-2064367-G-A. GRCh37 (hg19) VCF-style: chr16-2114368-G-A.
Other names: c.1539G>A, p.Val513= (NM_001114382.3, NM_001363528.2, NM_001370404.1 and 6 more transcripts); c.1428G>A, p.Val476= (NM_001318827.2, NM_001406670.1, NM_001406678.1); c.1392G>A, p.Val464= (NM_001318829.2, NM_001406675.1, NM_001406676.1 and 1 more transcripts); c.939G>A, p.Val313= (NM_001318831.2, NM_001406680.1, NM_001406682.1 and 6 more transcripts); c.1572G>A, p.Val524= (NM_001318832.2); c.1629G>A, p.Val543= (NM_001406667.1, NM_001406668.1); c.1527G>A, p.Val509= (NM_001406671.1, NM_001406673.1); c.1482G>A, p.Val494= (NM_001406677.1); and 3 more.
Identifiers: ClinVar variation 4071055 (VCV004071055.2).